The following is an entry in ClinVar:

NM_002529.4(NTRK1):c.647A>G (p.Gln216Arg)

Gene: NTRK1 (neurotrophic receptor tyrosine kinase 1; plus strand). Cytogenetic location: 1q23.1.
Variant type: single nucleotide variant.
Coding change: c.647A>G on transcript NM_002529.4 (MANE Select); coding-DNA position 647, A replaced by G.
Protein change: p.Gln216Arg; replaces glutamine 216 with arginine.
Molecular consequence: missense variant.
Genome position (GRCh38, 1-based): chr1:156,868,577, A>G. VCF-style: chr1-156868577-A-G. GRCh37 (hg19) VCF-style: chr1-156838369-A-G.
Other names: c.557A>G, p.Gln186Arg (NM_001007792.1); c.647A>G, p.Gln216Arg (NM_001012331.2); short protein forms Q186R, Q216R.
Identifiers: ClinVar variation 1696155 (VCV001696155.4), dbSNP rs1471711796, ClinGen allele CA342934414.
Genomic context (GRCh38, chr1:156,868,577, plus strand): 5'-TGAAGGTCCAGGTGCCCAATGCCTCGGTGGATGTGGGGGACGACGTGCTGCTGCGGTGCC[A>G]GGTGGAGGGGCGGGGCCTGGAGCAGGCCGGCTGGATCCTCACAGAGCTGGAGCAGTCAGC-3'
Protein context (NP_002520.2, residues 206-226): DVGDDVLLRC[Gln216Arg]VEGRGLEQAG

ClinVar aggregate classification (germline): Uncertain significance. Review status: criteria provided, multiple submitters, no conflicts (2 of 4 stars). 3 submissions from 3 submitters: Uncertain significance (3). Last evaluated 2023-04-11.

Conditions:
Hereditary insensitivity to pain with anhidrosis (CIPA). Also called: INSENSITIVITY TO PAIN, CONGENITAL, WITH ANHIDROSIS; FAMILIAL DYSAUTONOMIA, TYPE II; HSAN Type IV; NEUROPATHY, CONGENITAL SENSORY, WITH ANHIDROSIS; hereditary sensory and autonomic neuropathy type 4; NTRK1 Congenital Insensitivity to Pain with Anhidrosis. Identifiers: Orphanet 642, MedGen C0020074, MONDO:0009746, OMIM 256800.

Allele frequency attached by ClinVar (database versions not stated): gnomAD exomes 0.00001; TOPMed 0.00001.
gnomAD v4.1: 3 of 1,553,816 alleles (0.00019%); highest among the groups gnomAD compares: Admixed American, 0.0058%; no homozygotes.

Submissions (3):

Genome-Nilou Lab
Classification: Uncertain significance for Hereditary insensitivity to pain with anhidrosis. Last evaluated: 2023-04-11. Review status: criteria provided, single submitter. Criteria: ACMG Guidelines, 2015. Collection method: clinical testing. Allele origin: germline. Affected: no.

Labcorp Genetics (formerly Invitae), Labcorp
Classification: Uncertain significance for Hereditary insensitivity to pain with anhidrosis. Last evaluated: 2022-06-11. Review status: criteria provided, single submitter. Criteria: Invitae Variant Classification Sherloc (09022015). Collection method: clinical testing. Allele origin: germline.
Comment: This sequence change replaces glutamine, which is neutral and polar, with arginine, which is basic and polar, at codon 216 of the NTRK1 protein (p.Gln216Arg). This variant is present in population databases (no rsID available, gnomAD 0.008%). This variant has not been reported in the literature in individuals affected with NTRK1-related conditions. Advanced modeling of protein sequence and biophysical properties (such as structural, functional, and spatial information, amino acid conservation, physicochemical variation, residue mobility, and thermodynamic stability) performed at Invitae indicates that this missense variant is not expected to disrupt NTRK1 protein function. In summary, the available evidence is currently insufficient to determine the role of this variant in disease. Therefore, it has been classified as a Variant of Uncertain Significance.

Women's Health and Genetics/Laboratory Corporation of America, LabCorp
Classification: Uncertain significance. Last evaluated: 2022-05-03. Review status: criteria provided, single submitter. Criteria: LabCorp Variant Classification Summary - May 2015. Collection method: clinical testing. Allele origin: germline.